The following is an entry in ClinVar:

ClinVar aggregate classification (germline): Benign/Likely benign. Review status: criteria provided, multiple submitters, no conflicts (2 of 4 stars). 5 submissions from 5 submitters: Benign (1); Likely benign (4). Last evaluated 2025-03-09.

Conditions:
Hereditary cancer-predisposing syndrome. Also called: Tumor predisposition; Hereditary Cancer Syndrome; Hereditary neoplastic syndrome; Neoplastic Syndromes, Hereditary. Identifiers: Orphanet 140162, MedGen C0027672, MeSH D009386, MONDO:0015356.
Familial adenomatous polyposis 1 (FAP1). Also called: FAMILIAL ADENOMATOUS POLYPOSIS 1, ATTENUATED; POLYPOSIS, ADENOMATOUS INTESTINAL. Identifiers: MedGen C2713442, MONDO:0021056, OMIM 175100. Disease mechanism: loss of function.

gnomAD v4.1: 4 of 1,613,912 alleles (0.00025%); highest among the groups gnomAD compares: Non-Finnish European, 0.00034%; no homozygotes.

Submissions (5):

Labcorp Genetics (formerly Invitae), Labcorp
Classification: Likely benign for Familial adenomatous polyposis 1. Last evaluated: 2025-03-09. Review status: criteria provided, single submitter. Criteria: Invitae Variant Classification Sherloc (09022015). Collection method: clinical testing. Allele origin: germline.

Color Diagnostics, LLC DBA Color Health
Classification: Likely benign for Hereditary cancer-predisposing syndrome. Last evaluated: 2024-11-13. Review status: criteria provided, single submitter. Criteria: ACMG Guidelines, 2015. Collection method: clinical testing. Allele origin: germline.

Myriad Genetics, Inc.
Classification: Benign for Familial adenomatous polyposis 1. Last evaluated: 2024-04-08. Review status: criteria provided, single submitter. Criteria: Myriad Autosomal Dominant, Autosomal Recessive and X-Linked Classification Criteria (2023). Collection method: clinical testing. Allele origin: unknown.
Comment: This variant is considered benign. This variant is a silent/synonymous amino acid change and it is not expected to impact splicing.

Sema4
Classification: Likely benign for Hereditary cancer-predisposing syndrome. Last evaluated: 2021-07-09. Review status: criteria provided, single submitter. Criteria: Sema4 Curation Guidelines. Collection method: curation. Allele origin: germline.

Ambry Genetics
Classification: Likely benign for Hereditary cancer-predisposing syndrome. Last evaluated: 2020-08-11. Review status: criteria provided, single submitter. Criteria: Ambry Variant Classification Scheme 2023. Collection method: clinical testing. Allele origin: germline.

NM_000038.6(APC):c.6921G>C (p.Ser2307=)

Gene: APC (APC regulator of Wnt signaling pathway; plus strand). Cytogenetic location: 5q22.2.
Variant type: single nucleotide variant.
Coding change: c.6921G>C on transcript NM_000038.6 (MANE Select); coding-DNA position 6921, G replaced by C.
Protein change: p.Ser2307=; no amino-acid change (serine 2307 retained).
Molecular consequence: synonymous variant.
Genome position (GRCh38, 1-based): chr5:112,842,515, G>C. VCF-style: chr5-112842515-G-C. GRCh37 (hg19) VCF-style: chr5-112178212-G-C.
Other names: c.6921G>C, p.Ser2307= (NM_001127510.3, NM_001354895.2); c.6867G>C, p.Ser2289= (NM_001127511.3); c.6975G>C, p.Ser2325= (NM_001354896.2); c.6951G>C, p.Ser2317= (NM_001354897.2); c.6846G>C, p.Ser2282= (NM_001354898.2); c.6837G>C, p.Ser2279= (NM_001354899.2); c.6798G>C, p.Ser2266= (NM_001354900.2); c.6744G>C, p.Ser2248= (NM_001354901.2); and 5 more.
Identifiers: ClinVar variation 537666 (VCV000537666.17), dbSNP rs2229993, ClinGen allele CA446210500.